The following is an entry in ClinVar:

NM_001111.5(ADAR):c.1835G>A (p.Gly612Glu)

Gene: ADAR (adenosine deaminase RNA specific; minus strand). Cytogenetic location: 1q21.3.
Variant type: single nucleotide variant.
Coding change: c.1835G>A on transcript NM_001111.5 (MANE Select); coding-DNA position 1835, G replaced by A.
Protein change: p.Gly612Glu; replaces glycine 612 with glutamic acid.
Molecular consequence: missense variant.
Genome position (GRCh38, 1-based): chr1:154,597,927, C>T on the plus strand (G>A on the coding strand, the complement: ADAR is on the minus strand). VCF-style: chr1-154597927-C-T. GRCh37 (hg19) VCF-style: chr1-154570403-C-T.
Other names: c.950G>A, p.Gly317Glu (NM_001025107.3, NM_001193495.2, NM_001365046.1 and 3 more transcripts); c.1862G>A, p.Gly621Glu (NM_001365045.1); c.1835G>A, p.Gly612Glu (NM_015840.4, NM_015841.4); short protein forms G612E, G621E, G317E.
Identifiers: ClinVar variation 2010088 (VCV002010088.4), dbSNP rs2526605710, ClinGen allele CA342638856.

ClinVar aggregate classification (germline): Uncertain significance (1 of 4 stars; one submission).

Conditions:
Aicardi-Goutieres syndrome 6 (AGS6). Identifiers: Orphanet 51, MedGen C3539013, MONDO:0014007, OMIM 615010.
Symmetrical dyschromatosis of extremities (DSH). Also called: RETICULATE ACROPIGMENTATION OF DOHI; SYMMETRIC DYSCHROMATOSIS OF THE EXTREMITIES; DYSCHROMATOSIS SYMMETRICA HEREDITARIA 1; Dyschromatosis symmetrica hereditaria. Identifiers: Orphanet 41, MedGen C0406775, MONDO:0007483, OMIM 127400.

Submission:

Labcorp Genetics (formerly Invitae), Labcorp
Classification: Uncertain significance for Aicardi-Goutieres syndrome 6; Symmetrical dyschromatosis of extremities. Last evaluated: 2022-06-24. Review status: criteria provided, single submitter. Criteria: Invitae Variant Classification Sherloc (09022015). Collection method: clinical testing. Allele origin: germline.
Comment: This sequence change replaces glycine, which is neutral and non-polar, with glutamic acid, which is acidic and polar, at codon 612 of the ADAR protein (p.Gly612Glu). This variant is not present in population databases (gnomAD no frequency). This variant has not been reported in the literature in individuals affected with ADAR-related conditions. Algorithms developed to predict the effect of missense changes on protein structure and function are either unavailable or do not agree on the potential impact of this missense change (SIFT: "Tolerated"; PolyPhen-2: "Possibly Damaging"; Align-GVGD: "Class C0"). In summary, the available evidence is currently insufficient to determine the role of this variant in disease. Therefore, it has been classified as a Variant of Uncertain Significance.